The following is an entry in ClinVar:

NM_000718.4(CACNA1B):c.5649+73C>T

Gene: CACNA1B (calcium voltage-gated channel subunit alpha1 B; plus strand). Cytogenetic location: 9q34.3.
Variant type: single nucleotide variant.
Coding change: c.5649+73C>T on transcript NM_000718.4 (MANE Select); 73 bases into the intron after coding-DNA position 5649, C replaced by T.
Molecular consequence: intron variant.
Genome position (GRCh38, 1-based): chr9:138,114,563, C>T. VCF-style: chr9-138114563-C-T. GRCh37 (hg19) VCF-style: chr9-141009015-C-T.
Other names: c.5649+73C>T (NM_001243812.2).
Identifiers: ClinVar variation 1288483 (VCV001288483.4), dbSNP rs4876928, ClinGen allele CA12976929.

ClinVar aggregate classification (germline): Benign. Review status: criteria provided, multiple submitters, no conflicts (2 of 4 stars). 3 submissions from 3 submitters: Benign (3). Last evaluated 2024-07-31.

Allele frequency attached by ClinVar (database versions not stated): 1000 Genomes Project 30x 0.12867; 1000 Genomes Project 0.12939; gnomAD 0.18704 and 0.18953; TOPMed 0.18955; gnomAD exomes 0.21543.
gnomAD v4.1: 151,068 of 718,474 alleles (21%); highest among the groups gnomAD compares: Middle Eastern, 32%; 17,839 homozygotes.

Submissions (3):

Unidad de Genómica Garrahan, Hospital de Pediatría Garrahan
Classification: Benign. Last evaluated: 2024-07-31. Review status: criteria provided, single submitter. Criteria: ACMG Guidelines, 2015. Collection method: clinical testing. Allele origin: germline. Affected: no. Observed: 25 variant alleles.
Comment: This variant is classified as Benign based on local population frequency. This variant was detected in 27% of patients studied in a panel designed for Epileptic and Developmental Encephalopathy, Progressive Myoclonus Epilepsy and Abnormal Movements and Neurodegeneration with brain iron accumulation. Number of patients: 25. Only high quality variants are reported.

GeneDx
Classification: Benign. Last evaluated: 2021-03-28. Review status: criteria provided, single submitter. Criteria: GeneDx Variant Classification Process June 2021. Collection method: clinical testing. Allele origin: germline. Affected: yes.

Breakthrough Genomics
Classification: Benign. Review status: criteria provided, single submitter. Criteria: ACMG Guidelines, 2015. Collection method: not provided. Allele origin: germline. Inheritance: Autosomal recessive inheritance. Affected: yes.